The following is an entry in ClinVar:

ClinVar aggregate classification (germline): Uncertain significance (1 of 4 stars; one submission).

gnomAD v4.1: 1 of 1,612,508 alleles (0.000062%); highest among the groups gnomAD compares: Non-Finnish European, 0.000085%; no homozygotes.

Submission:

Labcorp Genetics (formerly Invitae), Labcorp
Classification: Uncertain significance. Last evaluated: 2022-07-25. Review status: criteria provided, single submitter. Criteria: Invitae Variant Classification Sherloc (09022015). Collection method: clinical testing. Allele origin: germline.
Comment: This sequence change replaces valine, which is neutral and non-polar, with leucine, which is neutral and non-polar, at codon 2386 of the USH2A protein (p.Val2386Leu). This variant is not present in population databases (gnomAD no frequency). This variant has not been reported in the literature in individuals affected with USH2A-related conditions. ClinVar contains an entry for this variant (Variation ID: 1437352). Algorithms developed to predict the effect of missense changes on protein structure and function output the following: SIFT: "Tolerated"; PolyPhen-2: "Benign"; Align-GVGD: "Class C0". The leucine amino acid residue is found in multiple mammalian species, which suggests that this missense change does not adversely affect protein function. In summary, the available evidence is currently insufficient to determine the role of this variant in disease. Therefore, it has been classified as a Variant of Uncertain Significance.

NM_206933.4(USH2A):c.7156G>C (p.Val2386Leu)

Gene: USH2A (usherin; minus strand). Cytogenetic location: 1q41.
Variant type: single nucleotide variant.
Coding change: c.7156G>C on transcript NM_206933.4 (MANE Select); coding-DNA position 7156, G replaced by C.
Protein change: p.Val2386Leu; replaces valine 2386 with leucine.
Molecular consequence: missense variant.
Genome position (GRCh38, 1-based): chr1:215,934,760, C>G on the plus strand (G>C on the coding strand, the complement: USH2A is on the minus strand). VCF-style: chr1-215934760-C-G. GRCh37 (hg19) VCF-style: chr1-216108102-C-G.
Other names: short protein forms V2386L.
Identifiers: ClinVar variation 1437352 (VCV001437352.5), dbSNP rs199825458, ClinGen allele CA37479667.